The following is an entry in ClinVar:

NM_004168.4(SDHA):c.1685del (p.Leu562fs)

Gene: SDHA (succinate dehydrogenase complex flavoprotein subunit A; plus strand). Cytogenetic location: 5p15.33.
Variant type: Deletion.
Coding change: c.1685del on transcript NM_004168.4 (MANE Select); coding-DNA position 1685, one base deleted (T; older notation c.1685delT).
Protein change: p.Leu562fs; shifts the reading frame from leucine 562.
Molecular consequence: frameshift variant. On other transcripts: intron variant (1).
Genome position (GRCh38, 1-based): chr5:251,359, T deleted. VCF-style (leftmost placement, unchanged base first): chr5-251358-CT-C. GRCh37 (hg19) VCF-style: chr5-251473-CT-C.
Other names: c.1541del, p.Leu514fs (NM_001294332.2); c.1552-3034del (NM_001330758.2); short protein forms L514fs, L562fs.
Identifiers: ClinVar variation 5042264 (VCV005042264.1).

ClinVar aggregate classification (germline): Pathogenic (1 of 4 stars; one submission).

Conditions:
Pheochromocytoma/paraganglioma syndrome 5. Also called: Paragangliomas 5; SDHA-Related Hereditary Paraganglioma-Pheochromocytoma Syndrome. Identifiers: Orphanet 29072, MedGen C3279992, MONDO:0013602, OMIM 614165.

Submission:

Myriad Genetics, Inc.
Classification: Pathogenic for Pheochromocytoma/paraganglioma syndrome 5. Last evaluated: 2026-08-27. Review status: criteria provided, single submitter. Criteria: Myriad Autosomal Dominant, Autosomal Recessive and X-Linked Classification Criteria (2023). Collection method: clinical testing. Allele origin: unknown.
Comment: This variant is considered pathogenic. This variant creates a frameshift predicted to result in premature protein truncation.